The following is an entry in ClinVar:

NM_020812.4(DOCK6):c.745C>T (p.Arg249Cys)

Gene: DOCK6 (dedicator of cytokinesis 6; minus strand). Cytogenetic location: 19p13.2.
Variant type: single nucleotide variant.
Coding change: c.745C>T on transcript NM_020812.4 (MANE Select); coding-DNA position 745, C replaced by T.
Protein change: p.Arg249Cys; replaces arginine 249 with cysteine.
Molecular consequence: missense variant.
Genome position (GRCh38, 1-based): chr19:11,248,127, G>A on the plus strand (C>T on the coding strand, the complement: DOCK6 is on the minus strand). VCF-style: chr19-11248127-G-A. GRCh37 (hg19) VCF-style: chr19-11358803-G-A.
Other names: c.745C>T, p.Arg249Cys (NM_001367830.1); c.745C>T (NM_020812.2); short protein forms R249C.
Identifiers: ClinVar variation 2172960 (VCV002172960.3), dbSNP rs374952858, ClinGen allele CA9208357.
Genomic context (GRCh38, chr19:11,248,127, plus strand): 5'-TGAGCGACAGACACTTGACCAAGATCCTTTGTCCAAAGTGCTCGCGGGGTGGCTCTGGGC[G>A]GCTACAGCGTTCCACGGCTTCATCCTGCCAAGAGTGGGGGGTGGGAGCTGGGCGGGAGGA-3'
Protein context (NP_065863.2, residues 239-259): DEDEAVERCS[Arg249Cys]PEPPREHFGQ

ClinVar aggregate classification (germline): Uncertain significance. Review status: criteria provided, multiple submitters, no conflicts (2 of 4 stars). 2 submissions from 2 submitters: Uncertain significance (2). Last evaluated 2025-04-10.

Conditions:
Inborn genetic diseases. Identifiers: MedGen C0950123, MeSH D030342.

Allele frequency attached by ClinVar (database versions not stated): gnomAD 0.00003; TOPMed 0.00003; ESP Exome Variant Server 0.00008.
gnomAD v4.1: 49 of 1,611,068 alleles (0.003%); highest among the groups gnomAD compares: South Asian, 0.012%; no homozygotes.

Submissions (2):

Ambry Genetics
Classification: Uncertain significance for Inborn genetic diseases. Last evaluated: 2025-04-10. Review status: criteria provided, single submitter. Criteria: Ambry Variant Classification Scheme 2023. Collection method: clinical testing. Allele origin: germline.

Labcorp Genetics (formerly Invitae), Labcorp
Classification: Uncertain significance. Last evaluated: 2022-04-07. Review status: criteria provided, single submitter. Criteria: Invitae Variant Classification Sherloc (09022015). Collection method: clinical testing. Allele origin: germline.
Comment: This sequence change replaces arginine, which is basic and polar, with cysteine, which is neutral and slightly polar, at codon 249 of the DOCK6 protein (p.Arg249Cys). This variant is present in population databases (rs374952858, gnomAD 0.02%). This variant has not been reported in the literature in individuals affected with DOCK6-related conditions. Algorithms developed to predict the effect of missense changes on protein structure and function output the following: SIFT: "Tolerated"; PolyPhen-2: "Benign"; Align-GVGD: "Class C0". The cysteine amino acid residue is found in multiple mammalian species, which suggests that this missense change does not adversely affect protein function. In summary, the available evidence is currently insufficient to determine the role of this variant in disease. Therefore, it has been classified as a Variant of Uncertain Significance.